The following is an entry in ClinVar:

ClinVar aggregate classification (germline): Benign/Likely benign. Review status: criteria provided, multiple submitters, no conflicts (2 of 4 stars). 5 submissions from 5 submitters: Benign (2); Likely benign (3). Last evaluated 2026-01-28.

Conditions:
Neonatal-onset encephalopathy with rigidity and seizures. Also called: Lethal neonatal spasticity-epileptic encephalopathy syndrome. Identifiers: Orphanet 435845, MedGen C3281029, MONDO:0013784, OMIM 614498.

Allele frequency attached by ClinVar (database versions not stated): 1000 Genomes Project 30x 0.00031; 1000 Genomes Project 0.00040; gnomAD exomes 0.00189; gnomAD 0.00198 and 0.00205; ExAC 0.00201; TOPMed 0.00202; ESP Exome Variant Server 0.00231.

Submissions (5):

Labcorp Genetics (formerly Invitae), Labcorp
Classification: Benign for Neonatal-onset encephalopathy with rigidity and seizures. Last evaluated: 2026-01-28. Review status: criteria provided, single submitter. Criteria: Invitae Variant Classification Sherloc (09022015). Collection method: clinical testing. Allele origin: germline.

CeGaT Center for Human Genetics Tuebingen
Classification: Likely benign. Last evaluated: 2025-06-01. Review status: criteria provided, single submitter. Criteria: CeGaT Center For Human Genetics Tuebingen Variant Classification Criteria Version 2. Collection method: clinical testing. Allele origin: germline. Affected: yes. Observed: 19 variant alleles.
Comment: BRAT1: BP4, BP7, BS2

Athena Diagnostics
Classification: Benign. Last evaluated: 2024-12-11. Review status: criteria provided, single submitter. Criteria: Athena Diagnostics Criteria. Collection method: clinical testing. Allele origin: unknown.
Comment: The frequency of this variant in the general population is higher than would generally be expected for pathogenic variants in this gene. Computational tools yielded predictions that this variant is unlikely to have an effect on normal RNA splicing. This nucleotide position exhibits low evolutionary conservation.

Blueprint Genetics
Classification: Likely benign. Last evaluated: 2024-11-22. Review status: criteria provided, single submitter. Criteria: ACMG Guidelines, 2015. Collection method: clinical testing. Allele origin: germline.

GeneDx
Classification: Likely benign. Last evaluated: 2020-11-11. Review status: criteria provided, single submitter. Criteria: GeneDx Variant Classification Process June 2021. Collection method: clinical testing. Allele origin: germline. Affected: yes.

NM_152743.4(BRAT1):c.1659C>T (p.Leu553=)

Gene: BRAT1 (BRCA1 associated ATM activator 1; minus strand). Cytogenetic location: 7p22.3.
Variant type: single nucleotide variant.
Coding change: c.1659C>T on transcript NM_152743.4 (MANE Select); coding-DNA position 1659, C replaced by T.
Protein change: p.Leu553=; no amino-acid change (leucine 553 retained).
Molecular consequence: synonymous variant. On other transcripts: non-coding transcript variant (1).
Genome position (GRCh38, 1-based): chr7:2,539,290, G>A on the plus strand (C>T on the coding strand, the complement: BRAT1 is on the minus strand). VCF-style: chr7-2539290-G-A. GRCh37 (hg19) VCF-style: chr7-2578924-G-A.
Other names: c.1659C>T, p.Leu553= (NM_001350626.2); c.1134C>T, p.Leu378= (NM_001350627.2).
Identifiers: ClinVar variation 472950 (VCV000472950.49), dbSNP rs61746940, ClinGen allele CA4127633.